The following is an entry in ClinVar:

ClinVar aggregate classification (germline): Uncertain significance (1 of 4 stars; one submission).

Conditions:
Hereditary cancer-predisposing syndrome. Also called: Neoplastic Syndromes, Hereditary; Tumor predisposition; Hereditary Cancer Syndrome; Hereditary neoplastic syndrome. Identifiers: Orphanet 140162, MedGen C0027672, MeSH D009386, MONDO:0015356.

Submission:

Ambry Genetics
Classification: Uncertain significance for Hereditary cancer-predisposing syndrome. Last evaluated: 2026-02-28. Review status: criteria provided, single submitter. Criteria: Ambry Variant Classification Scheme 2023. Collection method: clinical testing. Allele origin: germline.
Comment: The p.I778T variant (also known as c.2333T>C), located in coding exon 14 of the RAD50 gene, results from a T to C substitution at nucleotide position 2333. The isoleucine at codon 778 is replaced by threonine, an amino acid with similar properties. This amino acid position is conserved. In addition, this alteration is predicted to be tolerated by in silico analysis. Based on the available evidence, the clinical significance of this variant remains unclear.

NM_005732.4(RAD50):c.2333T>C (p.Ile778Thr)

Gene: RAD50 (RAD50 double strand break repair protein; plus strand). Cytogenetic location: 5q31.1.
Variant type: single nucleotide variant.
Coding change: c.2333T>C on transcript NM_005732.4 (MANE Select); coding-DNA position 2333, T replaced by C.
Protein change: p.Ile778Thr; replaces isoleucine 778 with threonine.
Molecular consequence: missense variant.
Genome position (GRCh38, 1-based): chr5:132,603,425, T>C. VCF-style: chr5-132603425-T-C. GRCh37 (hg19) VCF-style: chr5-131939117-T-C.
Other names: short protein forms I778T.
Identifiers: ClinVar variation 4826858 (VCV004826858.1).